The following is an entry in ClinVar:

ClinVar aggregate classification (germline): Uncertain significance (1 of 4 stars; one submission).

Allele frequency attached by ClinVar (database versions not stated): gnomAD exomes below 0.00001.
gnomAD v4.1: 1 of 1,608,844 alleles (0.000062%); highest among the groups gnomAD compares: Admixed American, 0.0017%; no homozygotes.

Submission:

Labcorp Genetics (formerly Invitae), Labcorp
Classification: Uncertain significance. Last evaluated: 2023-08-04. Review status: criteria provided, single submitter. Criteria: Invitae Variant Classification Sherloc (09022015). Collection method: clinical testing. Allele origin: germline.
Comment: This variant is not present in population databases (gnomAD no frequency). This sequence change replaces threonine, which is neutral and polar, with isoleucine, which is neutral and non-polar, at codon 1059 of the DSCAML1 protein (p.Thr1059Ile). This variant has not been reported in the literature in individuals affected with DSCAML1-related conditions. An algorithm developed to predict the effect of missense changes on protein structure and function (PolyPhen-2) suggests that this variant is likely to be disruptive. In summary, the available evidence is currently insufficient to determine the role of this variant in disease. Therefore, it has been classified as a Variant of Uncertain Significance.

NM_020693.4(DSCAML1):c.2996C>T (p.Thr999Ile)

Gene: DSCAML1 (DS cell adhesion molecule like 1; minus strand). Cytogenetic location: 11q23.3.
Variant type: single nucleotide variant.
Coding change: c.2996C>T on transcript NM_020693.4 (MANE Select); coding-DNA position 2996, C replaced by T.
Protein change: p.Thr999Ile; replaces threonine 999 with isoleucine.
Molecular consequence: missense variant.
Genome position (GRCh38, 1-based): chr11:117,469,938, G>A on the plus strand (C>T on the coding strand, the complement: DSCAML1 is on the minus strand). VCF-style: chr11-117469938-G-A. GRCh37 (hg19) VCF-style: chr11-117340654-G-A.
Other names: short protein forms T999I.
Identifiers: ClinVar variation 2750277 (VCV002750277.3), dbSNP rs2543124360, ClinGen allele CA382741944.